The following is an entry in ClinVar:

NM_000539.3(RHO):c.260T>A (p.Val87Asp)

Gene: RHO (rhodopsin; plus strand). Cytogenetic location: 3q22.1.
Variant type: single nucleotide variant.
Coding change: c.260T>A on transcript NM_000539.3 (MANE Select); coding-DNA position 260, T replaced by A.
Protein change: p.Val87Asp; replaces valine 87 with aspartic acid.
Molecular consequence: missense variant.
Genome position (GRCh38, 1-based): chr3:129,528,993, T>A. VCF-style: chr3-129528993-T-A. GRCh37 (hg19) VCF-style: chr3-129247836-T-A.
Other names: short protein forms V87D.
Identifiers: ClinVar variation 13020 (VCV000013020.4), dbSNP rs104893771, ClinGen allele CA256667.
Genomic context (GRCh38, chr3:129,528,993, plus strand): 5'-AGCTGCGCACGCCTCTCAACTACATCCTGCTCAACCTAGCCGTGGCTGACCTCTTCATGG[T>A]CCTAGGTGGCTTCACCAGCACCCTCTACACCTCTCTGCATGGATACTTCGTCTTCGGGCC-3'
Protein context (NP_000530.1, residues 77-97): LNLAVADLFM[Val87Asp]LGGFTSTLYT

ClinVar aggregate classification (germline): Likely pathogenic. Review status: criteria provided, single submitter (1 of 4 stars). 2 submissions from 2 submitters: Likely pathogenic (1). 1 of the submissions does not count toward it. Last evaluated 2020-02-26.

Conditions:
Pigmentary retinal dystrophy. Also called: Fundus albipunctatus. Identifiers: Orphanet 227796, Orphanet 52427, MedGen C0311338, MONDO:0007639, OMIM 136880, HP:0030642.
Retinitis pigmentosa 4 (RP4). Also called: RETINITIS PIGMENTOSA, RHODOPSIN-RELATED. Identifiers: Orphanet 791, MedGen C3151001, MONDO:0013395, OMIM 613731.

Submissions (2):

Centre for Mendelian Genomics, University Medical Centre Ljubljana
Classification: Likely pathogenic for Pigmentary retinal dystrophy. Last evaluated: 2020-02-26. Review status: criteria provided, single submitter. Criteria: ACMG Guidelines, 2015. Collection method: clinical testing. Allele origin: unknown. Affected: yes.
Comment: This variant was classified as: Likely pathogenic. The following ACMG criteria were applied in classifying this variant: PS1,PM2,PP3.

OMIM
Classification: Pathogenic for RETINITIS PIGMENTOSA 4. Last evaluated: 1991-08-01. Review status: no assertion criteria provided. Collection method: literature only. Allele origin: germline. Not counted in ClinVar's aggregate classification.

Literature cited by the submitters: PubMed 1862076 (cited by OMIM).